The following is an entry in ClinVar:

ClinVar aggregate classification (germline): Uncertain significance (1 of 4 stars; one submission).

Submission:

Dasa
Classification: Uncertain significance. Last evaluated: 2025-04-10. Review status: criteria provided, single submitter. Criteria: DASA Assertion Criteria. Collection method: clinical testing. Allele origin: germline.
Comment: NM_000937.5(POLR2A):c.5333C>T (p.Pro1778Leu) is a missense variant that results in the substitution of proline with leucine. This variant is absent from population databases. The currently available literature and clinical evidence are not sufficient to establish a definitive association between this variant and the reported condition. Therefore, this variant is classified as a variant of uncertain significance.

NM_000937.5(POLR2A):c.5333C>T (p.Pro1778Leu)

Gene: POLR2A (RNA polymerase II subunit A; plus strand). Cytogenetic location: 17p13.1.
Variant type: single nucleotide variant.
Coding change: c.5333C>T on transcript NM_000937.5 (MANE Select); coding-DNA position 5333, C replaced by T.
Protein change: p.Pro1778Leu; replaces proline 1778 with leucine.
Molecular consequence: missense variant.
Genome position (GRCh38, 1-based): chr17:7,513,597, C>T. VCF-style: chr17-7513597-C-T. GRCh37 (hg19) VCF-style: chr17-7416916-C-T.
Other names: short protein forms P1778L.
Identifiers: ClinVar variation 5020973 (VCV005020973.1).
Genomic context (GRCh38, chr17:7,513,597, plus strand): 5'-CATCACCCAGCTACAGCCCGACATCACCCAGCTATTCACCTACTAGTCCCAACTACACAC[C>T]TACCAGCCCTAACTACAGCCCAACCTCTCCAAGCTACTCTCCAACATCACCCAGCTATTC-3'
Protein context (NP_000928.1, residues 1768-1788): SYSPTSPNYT[Pro1778Leu]TSPNYSPTSP